The following is an entry in ClinVar:

NM_018131.5(CEP55):c.208A>T (p.Lys70Ter)

Gene: CEP55 (centrosomal protein 55; plus strand). Cytogenetic location: 10q23.33.
Variant type: single nucleotide variant.
Coding change: c.208A>T on transcript NM_018131.5 (MANE Select); coding-DNA position 208, A replaced by T.
Protein change: p.Lys70Ter; replaces lysine 70 with a stop codon.
Molecular consequence: nonsense.
Genome position (GRCh38, 1-based): chr10:93,503,137, A>T. VCF-style: chr10-93503137-A-T. GRCh37 (hg19) VCF-style: chr10-95262894-A-T.
Other names: c.208A>T, p.Lys70Ter (NM_001127182.2); short protein forms K70*.
Identifiers: ClinVar variation 5019922 (VCV005019922.2).
Genomic context (GRCh38, chr10:93,503,137, plus strand): 5'-GGCTTTGTTCTAAGATTCTTCTTAGTTTATGTCTAGAAAATTCGAGTCCTTGAGGCTGAG[A>T]AGGAGAAGAATGCTTATCAACTCACAGAGAAGGACAAAGAAATACAGCGACTGAGAGACC-3'

ClinVar aggregate classification (germline): Likely pathogenic (1 of 4 stars; one submission).

Conditions:
Multinucleated neurons-anhydramnios-renal dysplasia-cerebellar hypoplasia-hydranencephaly syndrome. Also called: Hydranencephaly with renal aplasia-dysplasia. Identifiers: Orphanet 500135, MedGen C1856053, MONDO:0009359, OMIM 236500.

gnomAD v4.1: 6 of 1,613,554 alleles (0.00037%); highest among the groups gnomAD compares: East Asian, 0.013%; no homozygotes.

Submission:

Juno Genomics, Hangzhou Juno Genomics, Inc
Classification: Likely pathogenic for Multinucleated neurons-anhydramnios-renal dysplasia-cerebellar hypoplasia-hydranencephaly syndrome. Review status: criteria provided, single submitter. Criteria: ACMG Guidelines, 2015. Collection method: clinical testing. Allele origin: germline.
Comment: Absent from controls (or at extremely low frequency if recessive) in Genome Aggregation Database.;Null variant in a gene where loss of function (LOF) is a known mechanism of disease.